The following is an entry in ClinVar:

ClinVar aggregate classification (germline): Uncertain significance. Review status: criteria provided, multiple submitters, no conflicts (2 of 4 stars). 7 submissions from 7 submitters: Uncertain significance (7). Last evaluated 2026-01-29.

Conditions:
Hereditary cancer-predisposing syndrome. Also called: Hereditary Cancer Syndrome; Hereditary neoplastic syndrome; Neoplastic Syndromes, Hereditary; Tumor predisposition. Identifiers: Orphanet 140162, MedGen C0027672, MeSH D009386, MONDO:0015356.
Colorectal cancer, susceptibility to, 12 (CRCS12). Also called: COLORECTAL CANCER, SUSCEPTIBILITY TO, ON CHROMOSOME 12q24. Identifiers: Orphanet 220460, MedGen C3554460, MONDO:0014038, OMIM 615083.
Familial colorectal cancer type X. Identifiers: Orphanet 440437, MedGen C3896578, MONDO:0018604.
Polymerase proofreading-related adenomatous polyposis. Also called: Polymerase proofreading associated polyposis; Polymerase proofreading–associated polyposis (PPAP). Identifiers: Orphanet 447877, MedGen C5202613, MONDO:0018653.

Allele frequency attached by ClinVar (database versions not stated): TOPMed 0.00006; ESP Exome Variant Server 0.00008; gnomAD 0.00009; gnomAD exomes 0.00012 and 0.00014; ExAC 0.00014.

Submissions (7):

Labcorp Genetics (formerly Invitae), Labcorp
Classification: Uncertain significance. Last evaluated: 2026-01-29. Review status: criteria provided, single submitter. Criteria: Invitae Variant Classification Sherloc (09022015). Collection method: clinical testing. Allele origin: germline.
Comment: This sequence change replaces glycine, which is neutral and non-polar, with alanine, which is neutral and non-polar, at codon 1352 of the POLE protein (p.Gly1352Ala). This variant is present in population databases (rs147088333, gnomAD 0.03%). This missense change has been observed in individual(s) with cancer (PMID: 28873162). ClinVar contains an entry for this variant (Variation ID: 405675). Invitae Evidence Modeling of protein sequence and biophysical properties (such as structural, functional, and spatial information, amino acid conservation, physicochemical variation, residue mobility, and thermodynamic stability) indicates that this missense variant is not expected to disrupt POLE protein function with a negative predictive value of 80%. In summary, the available evidence is currently insufficient to determine the role of this variant in disease. Therefore, it has been classified as a Variant of Uncertain Significance.

Center for Genomic Medicine, Rigshospitalet, Copenhagen University Hospital
Classification: Uncertain significance. Last evaluated: 2025-03-04. Review status: criteria provided, single submitter. Criteria: ACMG Guidelines, 2015. Collection method: clinical testing. Allele origin: germline.

Ambry Genetics
Classification: Uncertain significance for Hereditary cancer-predisposing syndrome. Last evaluated: 2024-12-16. Review status: criteria provided, single submitter. Criteria: Ambry Variant Classification Scheme 2023. Collection method: clinical testing. Allele origin: germline.
Comment: The p.G1352A variant (also known as c.4055G>C), located in coding exon 32 of the POLE gene, results from a G to C substitution at nucleotide position 4055. The glycine at codon 1352 is replaced by alanine, an amino acid with similar properties. This amino acid position is well conserved in available vertebrate species. In addition, this alteration is predicted to be tolerated by in silico analysis. Based on the available evidence, the clinical significance of this variant remains unclear.

GeneDx
Classification: Uncertain significance. Last evaluated: 2024-03-01. Review status: criteria provided, single submitter. Criteria: GeneDx Variant Classification Process June 2021. Collection method: clinical testing. Allele origin: germline. Affected: yes.
Comment: In silico analysis supports that this missense variant has a deleterious effect on protein structure/function; This variant is associated with the following publications: (PMID: 29641532, 28873162)

St. Jude Molecular Pathology, St. Jude Children's Research Hospital
Classification: Uncertain significance for Colorectal cancer, susceptibility to, 12. Last evaluated: 2023-02-21. Review status: criteria provided, single submitter. Criteria: St. Jude Assertion Criteria 2020. Collection method: clinical testing. Allele origin: germline.
Comment: The POLE c.4055G>C (p.Gly1352Ala) missense change has a maximum subpopulation frequency of 0.015% in gnomAD v2.1.1. The in silico tool REVEL predicts a benign effect on protein function, but to our knowledge this prediction has not been confirmed by functional studies. This variant has been reported in an individual with Ewing sarcoma (PMID: 33332384). To our knowledge, this variant has not been reported in the literature in individuals with POLE-related disease. In summary, the evidence currently available is insufficient to determine the clinical significance of this variant. It has therefore been classified as of uncertain significance.

Department of Pathology and Laboratory Medicine, Sinai Health System
Classification: Uncertain significance for Polymerase proofreading-related adenomatous polyposis; Familial colorectal cancer type X. Last evaluated: 2020-12-10. Review status: criteria provided, single submitter. Criteria: ACMG Guidelines, 2015. Collection method: clinical testing. Allele origin: germline. Affected: yes.

Quest Diagnostics Nichols Institute San Juan Capistrano
Classification: Uncertain significance. Last evaluated: 2017-01-17. Review status: criteria provided, single submitter. Criteria: Quest Diagnostics criteria. Collection method: clinical testing. Allele origin: germline.

Literature cited by the submitters: PubMed 28873162 (cited by Labcorp Genetics (formerly Invitae), Labcorp and Department of Pathology and Laboratory Medicine, Sinai Health System); PubMed 32546565 (cited by Department of Pathology and Laboratory Medicine, Sinai Health System).

NM_006231.4(POLE):c.4055G>C (p.Gly1352Ala)

Gene: POLE (DNA polymerase epsilon, catalytic subunit; minus strand). Cytogenetic location: 12q24.33.
Variant type: single nucleotide variant.
Coding change: c.4055G>C on transcript NM_006231.4 (MANE Select); coding-DNA position 4055, G replaced by C.
Protein change: p.Gly1352Ala; replaces glycine 1352 with alanine.
Molecular consequence: missense variant.
Genome position (GRCh38, 1-based): chr12:132,649,023, C>G on the plus strand (G>C on the coding strand, the complement: POLE is on the minus strand). VCF-style: chr12-132649023-C-G. GRCh37 (hg19) VCF-style: chr12-133225609-C-G.
Other names: short protein forms G1352A.
Identifiers: ClinVar variation 405675 (VCV000405675.37), dbSNP rs147088333, ClinGen allele CA6893010.